The following is an entry in ClinVar:

ClinVar aggregate classification (germline): Uncertain significance (1 of 4 stars; one submission).

Conditions:
Inborn genetic diseases. Identifiers: MedGen C0950123, MeSH D030342.

gnomAD v4.1: 2 of 1,614,130 alleles (0.00012%); highest among the groups gnomAD compares: South Asian, 0.0022%; no homozygotes.

Submission:

Ambry Genetics
Classification: Uncertain significance for Inborn genetic diseases. Last evaluated: 2025-03-17. Review status: criteria provided, single submitter. Criteria: Ambry Variant Classification Scheme 2023. Collection method: clinical testing. Allele origin: germline.
Comment: The p.A536D variant (also known as c.1607C>A), located in coding exon 7 of the SH2B3 gene, results from a C to A substitution at nucleotide position 1607. The alanine at codon 536 is replaced by aspartic acid, an amino acid with dissimilar properties. This amino acid position is conserved. In addition, the in silico prediction for this alteration is inconclusive. Based on the available evidence, the clinical significance of this variant remains unclear.

NM_005475.3(SH2B3):c.1607C>A (p.Ala536Asp)

Gene: SH2B3 (SH2B adaptor protein 3; plus strand). Cytogenetic location: 12q24.12.
Variant type: single nucleotide variant.
Coding change: c.1607C>A on transcript NM_005475.3 (MANE Select); coding-DNA position 1607, C replaced by A.
Protein change: p.Ala536Asp; replaces alanine 536 with aspartic acid.
Molecular consequence: missense variant.
Genome position (GRCh38, 1-based): chr12:111,448,181, C>A. VCF-style: chr12-111448181-C-A. GRCh37 (hg19) VCF-style: chr12-111885985-C-A.
Other names: c.1001C>A, p.Ala334Asp (NM_001291424.1); short protein forms A536D, A334D.
Identifiers: ClinVar variation 3953360 (VCV003953360.1).
Genomic context (GRCh38, chr12:111,448,181, plus strand): 5'-CAGGGCGATCCTCACCCCCCGAGCAGATCTTCCACCTGGTGCCTTCGCCCGAAGAACTGG[C>A]CAACAGCCTGCAGCACCTGGAGCATGAGCCTGTGAATCGAGCCCGGGACTCGGACTACGA-3'
Protein context (NP_005466.1, residues 526-546): FHLVPSPEEL[Ala536Asp]NSLQHLEHEP